The following is an entry in ClinVar:

NM_001042492.3(NF1):c.5524C>T (p.His1842Tyr)

Gene: NF1 (neurofibromin 1; plus strand). Cytogenetic location: 17q11.2.
Variant type: single nucleotide variant.
Coding change: c.5524C>T on transcript NM_001042492.3 (MANE Select); coding-DNA position 5524, C replaced by T.
Protein change: p.His1842Tyr; replaces histidine 1842 with tyrosine.
Molecular consequence: missense variant.
Genome position (GRCh38, 1-based): chr17:31,327,754, C>T. VCF-style: chr17-31327754-C-T. GRCh37 (hg19) VCF-style: chr17-29654772-C-T.
Other names: c.5461C>T, p.His1821Tyr (NM_000267.4); short protein forms H1821Y, H1842Y.
Identifiers: ClinVar variation 1747675 (VCV001747675.2), dbSNP rs1597832336, ClinGen allele CA399009746.
Genomic context (GRCh38, chr17:31,327,754, plus strand): 5'-CAGTCTATCATTCATATCCGGACCCGCTGGGAACTGTCACAGCCCGACTCTATCCCCCAA[C>T]ACACCAAGATTCGGCCAAAAGATGTCCCTGGGACACTGCTCAATATCGCATTACTTAATT-3'
Protein context (NP_001035957.1, residues 1832-1852): ELSQPDSIPQ[His1842Tyr]TKIRPKDVPG

ClinVar aggregate classification (germline): Uncertain significance (1 of 4 stars; one submission).

Conditions:
Cardiovascular phenotype. Identifiers: MedGen CN230736.
Hereditary cancer-predisposing syndrome. Also called: Hereditary Cancer Syndrome; Neoplastic Syndromes, Hereditary; Tumor predisposition; Hereditary neoplastic syndrome. Identifiers: Orphanet 140162, MedGen C0027672, MeSH D009386, MONDO:0015356.

Allele frequency attached by ClinVar (database versions not stated): gnomAD exomes below 0.00001.
gnomAD v4.1: 1 of 1,614,132 alleles (0.000062%); highest among the groups gnomAD compares: Non-Finnish European, 0.000085%; no homozygotes.

Submission:

Ambry Genetics
Classification: Uncertain significance for Cardiovascular phenotype; Hereditary cancer-predisposing syndrome. Last evaluated: 2023-08-21. Review status: criteria provided, single submitter. Criteria: Ambry Variant Classification Scheme 2023. Collection method: clinical testing. Allele origin: germline.
Comment: The p.H1821Y variant (also known as c.5461C>T), located in coding exon 37 of the NF1 gene, results from a C to T substitution at nucleotide position 5461. The histidine at codon 1821 is replaced by tyrosine, an amino acid with similar properties. This amino acid position is highly conserved in available vertebrate species. In addition, this alteration is predicted to be deleterious by in silico analysis. Since supporting evidence is limited at this time, the clinical significance of this alteration remains unclear.